The following is an entry in ClinVar:

ClinVar aggregate classification (germline): Likely benign. Review status: criteria provided, single submitter (1 of 4 stars). 2 submissions from 2 submitters: Likely benign (1). 1 of the submissions does not count toward it. Last evaluated 2025-04-14.

Conditions:
Familial sleep-related hypermotor epilepsy. Also called: Autosomal Dominant Sleep-Related Hypermotor (Hyperkinetic) Epilepsy. Identifiers: Orphanet 98784, MedGen C3696898, MONDO:0000030.
CHRNA2-related disorder. Also called: CHRNA2-related condition.

gnomAD v4.1: 6 of 1,599,880 alleles (0.00038%); highest among the groups gnomAD compares: African/African-American, 0.0053%; no homozygotes.

Submissions (2):

Labcorp Genetics (formerly Invitae), Labcorp
Classification: Likely benign. Last evaluated: 2025-04-14. Review status: criteria provided, single submitter. Criteria: Invitae Variant Classification Sherloc (09022015). Collection method: clinical testing. Allele origin: germline.

PreventionGenetics, part of Exact Sciences
Classification: Likely benign for CHRNA2-related condition. Last evaluated: 2022-04-13. Review status: no assertion criteria provided. Collection method: clinical testing. Allele origin: germline. Not counted in ClinVar's aggregate classification.
Comment: This variant is classified as likely benign based on ACMG/AMP sequence variant interpretation guidelines (Richards et al. 2015 PMID: 25741868, with internal and published modifications).

NM_000742.4(CHRNA2):c.1188G>A (p.Lys396=)

Gene: CHRNA2 (cholinergic receptor nicotinic alpha 2 subunit; minus strand). Cytogenetic location: 8p21.2.
Variant type: single nucleotide variant.
Coding change: c.1188G>A on transcript NM_000742.4 (MANE Select); coding-DNA position 1188, G replaced by A.
Protein change: p.Lys396=; no amino-acid change (lysine 396 retained).
Molecular consequence: synonymous variant.
Genome position (GRCh38, 1-based): chr8:27,463,255, C>T on the plus strand (G>A on the coding strand, the complement: CHRNA2 is on the minus strand). VCF-style: chr8-27463255-C-T. GRCh37 (hg19) VCF-style: chr8-27320772-C-T.
Other names: c.1143G>A, p.Lys381= (NM_001282455.2); c.711G>A, p.Lys237= (NM_001347705.2, NM_001347706.2); c.594G>A, p.Lys198= (NM_001347707.2, NM_001347708.2); c.1188G>A (NM_000742.3).
Identifiers: ClinVar variation 1134652 (VCV001134652.9), dbSNP rs1812566372, ClinGen allele CA460186300.